The following is an entry in ClinVar:

ClinVar aggregate classification (germline): Uncertain significance (1 of 4 stars; one submission).

Allele frequency attached by ClinVar (database versions not stated): gnomAD exomes below 0.00001.
gnomAD v4.1: 3 of 1,428,646 alleles (0.00021%); highest among the groups gnomAD compares: Non-Finnish European, 0.00028%; no homozygotes.

Submission:

Women's Health and Genetics/Laboratory Corporation of America, LabCorp
Classification: Uncertain significance. Last evaluated: 2023-05-01. Review status: criteria provided, single submitter. Criteria: LabCorp Variant Classification Summary - May 2015. Collection method: clinical testing. Allele origin: germline.
Comment: Variant summary: ANO3 c.1448-18C>T alters a non-conserved nucleotide located close to a canonical splice site and therefore could affect mRNA splicing, leading to a significantly altered protein sequence. 4/4 computational tools predict no significant impact on normal splicing. However, these predictions have yet to be confirmed by functional studies. The variant was absent in 196780 control chromosomes (gnomAD). The available data on variant occurrences in the general population are insufficient to allow any conclusion about variant significance. To our knowledge, no occurrence of c.1448-18C>T in individuals affected with Dystonia 24 and no experimental evidence demonstrating its impact on protein function have been reported. No clinical diagnostic laboratories have submitted clinical-significance assessments for this variant to ClinVar after 2014. Based on the evidence outlined above, the variant was classified as uncertain significance.

NM_031418.4(ANO3):c.1448-18C>T

Gene: ANO3 (anoctamin 3; plus strand). Cytogenetic location: 11p14.2.
Variant type: single nucleotide variant.
Coding change: c.1448-18C>T on transcript NM_031418.4 (MANE Select); 18 bases into the intron before coding-DNA position 1448, C replaced by T.
Molecular consequence: intron variant.
Genome position (GRCh38, 1-based): chr11:26,598,347, C>T. VCF-style: chr11-26598347-C-T. GRCh37 (hg19) VCF-style: chr11-26619894-C-T.
Other names: c.1631-18C>T (NM_001313726.2); c.1010-18C>T (NM_001313727.2).
Identifiers: ClinVar variation 2506063 (VCV002506063.1), dbSNP rs1411233405, ClinGen allele CA675109791.